The following is an entry in ClinVar:

ClinVar aggregate classification (germline): Uncertain significance (1 of 4 stars; one submission).

Submission:

GeneDx
Classification: Uncertain significance. Last evaluated: 2026-02-06. Review status: criteria provided, single submitter. Criteria: GeneDx Variant Classification Process June 2021. Collection method: clinical testing. Allele origin: germline.
Comment: Not observed at significant frequency in large population cohorts (gnomAD); In silico analysis supports that this missense variant has a deleterious effect on protein structure/function; Has not been previously published as pathogenic or benign to our knowledge

NM_001378414.1(HDAC4):c.2810G>T (p.Gly937Val)

Gene: HDAC4 (histone deacetylase 4; minus strand). Cytogenetic location: 2q37.3.
Variant type: single nucleotide variant.
Coding change: c.2810G>T on transcript NM_001378414.1 (MANE Select); coding-DNA position 2810, G replaced by T.
Protein change: p.Gly937Val; replaces glycine 937 with valine.
Molecular consequence: missense variant.
Genome position (GRCh38, 1-based): chr2:239,068,548, C>A on the plus strand (G>T on the coding strand, the complement: HDAC4 is on the minus strand). VCF-style: chr2-239068548-C-A. GRCh37 (hg19) VCF-style: chr2-239990244-C-A.
Other names: c.2810G>T, p.Gly937Val (NM_001378415.1); c.2795G>T, p.Gly932Val (NM_001378416.1, NM_001378417.1, NM_006037.4); short protein forms G932V, G937V.
Identifiers: ClinVar variation 3364796 (VCV003364796.2).